The following is an entry in ClinVar:

NM_015915.5(ATL1):c.*87C>G

Gene: ATL1 (atlastin GTPase 1; plus strand). Cytogenetic location: 14q22.1.
Variant type: single nucleotide variant.
Coding change: c.*87C>G on transcript NM_015915.5 (MANE Select); 87 bases downstream of the stop codon, C replaced by G.
Molecular consequence: 3 prime UTR variant.
Genome position (GRCh38, 1-based): chr14:50,632,426, C>G. VCF-style: chr14-50632426-C-G. GRCh37 (hg19) VCF-style: chr14-51099144-C-G.
Other names: c.*87C>G (NM_001127713.1, NM_181598.4).
Identifiers: ClinVar variation 2578716 (VCV002578716.25), dbSNP rs150442236, ClinGen allele CA260797755.

ClinVar aggregate classification (germline): Likely benign (1 of 4 stars; one submission).

Allele frequency attached by ClinVar (database versions not stated): gnomAD 0.00024; gnomAD exomes 0.00024; TOPMed 0.00026; 1000 Genomes Project 0.00040; 1000 Genomes Project 30x 0.00062.
gnomAD v4.1: 224 of 936,302 alleles (0.024%); highest among the groups gnomAD compares: Admixed American, 0.055%; 1 homozygote.

Submission:

CeGaT Center for Human Genetics Tuebingen
Classification: Likely benign. Last evaluated: 2024-05-01. Review status: criteria provided, single submitter. Criteria: CeGaT Center For Human Genetics Tuebingen Variant Classification Criteria Version 2. Collection method: clinical testing. Allele origin: germline. Affected: yes. Observed: 2 variant alleles.
Comment: ATL1: BS1